The following is an entry in ClinVar:

ClinVar aggregate classification (germline): Uncertain significance (1 of 4 stars; one submission).

Conditions:
Inborn genetic diseases. Identifiers: MedGen C0950123, MeSH D030342.

Submission:

Ambry Genetics
Classification: Uncertain significance for Inborn genetic diseases. Last evaluated: 2026-03-23. Review status: criteria provided, single submitter. Criteria: Ambry Variant Classification Scheme 2023. Collection method: clinical testing. Allele origin: germline.
Comment: The p.P427L variant (also known as c.1280C>T), located in coding exon 15 of the RTEL1 gene, results from a C to T substitution at nucleotide position 1280. The proline at codon 427 is replaced by leucine, an amino acid with similar properties. This amino acid position is conserved. In addition, this alteration is predicted to be tolerated by in silico analysis. Based on the available evidence, the clinical significance of this variant remains unclear.

NM_001283009.2(RTEL1):c.1280C>T (p.Pro427Leu)

Genes: RTEL1 (regulator of telomere elongation helicase 1; plus strand), RTEL1-TNFRSF6B (RTEL1-TNFRSF6B readthrough (NMD candidate); plus strand). Cytogenetic location: 20q13.33.
Variant type: single nucleotide variant.
Coding change: c.1280C>T on transcript NM_001283009.2 (MANE Select); coding-DNA position 1280, C replaced by T.
Protein change: p.Pro427Leu; replaces proline 427 with leucine.
Molecular consequence: missense variant. On other transcripts: non-coding transcript variant (1).
Genome position (GRCh38, 1-based): chr20:63,685,804, C>T. VCF-style: chr20-63685804-C-T. GRCh37 (hg19) VCF-style: chr20-62317157-C-T.
Other names: c.611C>T, p.Pro204Leu (NM_001283010.1); c.1280C>T, p.Pro427Leu (NM_016434.4); c.1352C>T, p.Pro451Leu (NM_032957.5); short protein forms P204L, P427L, P451L.
Identifiers: ClinVar variation 4863519 (VCV004863519.1).